The following is an entry in ClinVar:

ClinVar aggregate classification (germline): Uncertain significance (1 of 4 stars; one submission).

Conditions:
Joubert syndrome 21 (JBTS21). Identifiers: MedGen C3810212, MONDO:0014288, OMIM 615636.

Allele frequency attached by ClinVar (database versions not stated): gnomAD exomes below 0.00001; gnomAD 0.00001; TOPMed 0.00001.
gnomAD v4.1: 5 of 1,568,546 alleles (0.00032%); highest among the groups gnomAD compares: South Asian, 0.0011%; no homozygotes.

Submission:

Labcorp Genetics (formerly Invitae), Labcorp
Classification: Uncertain significance for Joubert syndrome 21. Last evaluated: 2021-06-23. Review status: criteria provided, single submitter. Criteria: Invitae Variant Classification Sherloc (09022015). Collection method: clinical testing. Allele origin: germline.
Comment: In summary, the available evidence is currently insufficient to determine the role of this variant in disease. Therefore, it has been classified as a Variant of Uncertain Significance. Algorithms developed to predict the effect of missense changes on protein structure and function (SIFT, PolyPhen-2, Align-GVGD) all suggest that this variant is likely to be tolerated, but these predictions have not been confirmed by published functional studies and their clinical significance is uncertain. This variant has not been reported in the literature in individuals with CSPP1-related conditions. This variant is not present in population databases (ExAC no frequency). This sequence change replaces serine with asparagine at codon 931 of the CSPP1 protein (p.Ser931Asn). The serine residue is moderately conserved and there is a small physicochemical difference between serine and asparagine.

NM_001382391.1(CSPP1):c.2807G>A (p.Ser936Asn)

Gene: CSPP1 (centrosome and spindle pole associated protein 1; plus strand). Cytogenetic location: 8q13.2.
Variant type: single nucleotide variant.
Coding change: c.2807G>A on transcript NM_001382391.1 (MANE Select); coding-DNA position 2807, G replaced by A.
Protein change: p.Ser936Asn; replaces serine 936 with asparagine.
Molecular consequence: missense variant.
Genome position (GRCh38, 1-based): chr8:67,164,487, G>A. VCF-style: chr8-67164487-G-A. GRCh37 (hg19) VCF-style: chr8-68076722-G-A.
Other names: c.1757G>A, p.Ser586Asn (NM_001291339.2); c.2726G>A, p.Ser909Asn (NM_001363131.2); c.2612G>A, p.Ser871Asn (NM_001363132.2); c.2531G>A, p.Ser844Asn (NM_001363133.2); c.2873G>A, p.Ser958Asn (NM_001364869.1); c.2693G>A, p.Ser898Asn (NM_001364870.1); c.2792G>A, p.Ser931Asn (NM_024790.7); short protein forms S586N, S871N, S936N, S898N, S958N, S844N, S931N, S909N.
Identifiers: ClinVar variation 1378796 (VCV001378796.7), dbSNP rs1381482450, ClinGen allele CA371193495.